The following is an entry in ClinVar:

NM_015272.5(RPGRIP1L):c.512A>G (p.Gln171Arg)

Gene: RPGRIP1L (RPGRIP1 like; minus strand). Cytogenetic location: 16q12.2.
Variant type: single nucleotide variant.
Coding change: c.512A>G on transcript NM_015272.5 (MANE Select); coding-DNA position 512, A replaced by G.
Protein change: p.Gln171Arg; replaces glutamine 171 with arginine.
Molecular consequence: missense variant.
Genome position (GRCh38, 1-based): chr16:53,692,083, T>C on the plus strand (A>G on the coding strand, the complement: RPGRIP1L is on the minus strand). VCF-style: chr16-53692083-T-C. GRCh37 (hg19) VCF-style: chr16-53725995-T-C.
Other names: c.512A>G, p.Gln171Arg (NM_001127897.4, NM_001308334.3, NM_001330538.2); short protein forms Q171R.
Identifiers: ClinVar variation 4996374 (VCV004996374.1).
Genomic context (GRCh38, chr16:53,692,083, plus strand): 5'-CTAATAAGACTTCAGTTTAGATTTAACGTAAGCTTTGTTTTACCTTTCCTGGGGCATTCC[T>C]GTAAACCAGCATTTTCATTTGCTTTTCTACGCCCAGTGTTAATACGAGATTGTACATTAT-3'
Protein context (NP_056087.2, residues 161-181): RRKANENAGL[Gln171Arg]ECPRKGIKFQ

ClinVar aggregate classification (germline): Uncertain significance (1 of 4 stars; one submission).

Conditions:
RPGRIP1L-related disorder. Also called: RPGRIP1L-related disorders; RPGRIP1L-related condition. Identifiers: MedGen CN239416.

gnomAD v4.1: 1 of 1,614,086 alleles (0.000062%); highest among the groups gnomAD compares: African/African-American, 0.0013%; no homozygotes.

Submission:

PreventionGenetics, part of Exact Sciences
Classification: Uncertain significance for RPGRIP1L-related condition. Last evaluated: 2026-04-24. Review status: criteria provided, single submitter. Criteria: ACMG Guidelines, 2015. Collection method: clinical testing. Allele origin: germline.
Comment: The RPGRIP1L c.512A>G variant is predicted to result in the amino acid substitution p.Gln171Arg. To our knowledge, this variant has not been reported in the literature or in a large population database (gnomAD), indicating this variant is rare. At this time, the clinical significance of this variant is uncertain due to the absence of conclusive functional and genetic evidence.